The following is an entry in ClinVar:

NM_032578.4(MYPN):c.1944G>A (p.Glu648=)

Gene: MYPN (myopalladin; plus strand). Cytogenetic location: 10q21.3.
Variant type: single nucleotide variant.
Coding change: c.1944G>A on transcript NM_032578.4 (MANE Select); coding-DNA position 1944, G replaced by A.
Protein change: p.Glu648=; no amino-acid change (glutamic acid 648 retained).
Molecular consequence: synonymous variant. On other transcripts: non-coding transcript variant (2).
Genome position (GRCh38, 1-based): chr10:68,166,637, G>A. VCF-style: chr10-68166637-G-A. GRCh37 (hg19) VCF-style: chr10-69926394-G-A.
Other names: c.1944G>A, p.Glu648= (NM_001256267.2); c.1062G>A, p.Glu354= (NM_001256268.2).
Identifiers: ClinVar variation 477743 (VCV000477743.38), dbSNP rs151017803, ClinGen allele CA5522686.

ClinVar aggregate classification (germline): Benign/Likely benign. Review status: criteria provided, multiple submitters, no conflicts (2 of 4 stars). 9 submissions from 9 submitters: Benign (1); Likely benign (5). 3 of the submissions do not count toward it. Last evaluated 2026-01-27.

Conditions:
MYPN-related disorder. Also called: MYPN-related condition.
Dilated cardiomyopathy 1KK (CMD1KK). Identifiers: Orphanet 154, Orphanet 75249, MedGen C3714995, MONDO:0014100, OMIM 615248.
Cardiovascular phenotype. Identifiers: MedGen CN230736.

Allele frequency attached by ClinVar (database versions not stated): TOPMed 0.00039; gnomAD 0.00041; gnomAD exomes 0.00051; ESP Exome Variant Server 0.00100.
gnomAD v4.1: 792 of 1,613,886 alleles (0.049%); highest among the groups gnomAD compares: Non-Finnish European, 0.063%; 1 homozygote.

Submissions (9):

Labcorp Genetics (formerly Invitae), Labcorp
Classification: Likely benign for Dilated cardiomyopathy 1KK. Last evaluated: 2026-01-27. Review status: criteria provided, single submitter. Criteria: Invitae Variant Classification Sherloc (09022015). Collection method: clinical testing. Allele origin: germline.

Women's Health and Genetics/Laboratory Corporation of America, LabCorp
Classification: Likely benign. Last evaluated: 2025-11-10. Review status: criteria provided, single submitter. Criteria: LabCorp Variant Classification Summary - May 2015. Collection method: clinical testing. Allele origin: germline.

Blueprint Genetics
Classification: Benign. Last evaluated: 2024-09-05. Review status: criteria provided, single submitter. Criteria: ACMG Guidelines, 2015. Collection method: clinical testing. Allele origin: germline.

GeneDx
Classification: Likely benign. Last evaluated: 2021-01-19. Review status: criteria provided, single submitter. Criteria: GeneDx Variant Classification Process June 2021. Collection method: clinical testing. Allele origin: germline. Affected: yes.

Clinical Genetics DNA and cytogenetics Diagnostics Lab, Erasmus MC, Erasmus Medical Center
Classification: Likely benign for Dilated cardiomyopathy 1KK. Last evaluated: 2017-06-28. Review status: criteria provided, single submitter. Criteria: ACGS Guidelines, 2013. Collection method: clinical testing. Allele origin: germline. Affected: yes. Study: VKGL Data-share Consensus.

Ambry Genetics
Classification: Likely benign for Cardiovascular phenotype. Last evaluated: 2017-04-23. Review status: criteria provided, single submitter. Criteria: Ambry Variant Classification Scheme 2023. Collection method: clinical testing. Allele origin: germline.

PreventionGenetics, part of Exact Sciences
Classification: Likely benign for MYPN-related condition. Last evaluated: 2020-04-01. Review status: no assertion criteria provided. Collection method: clinical testing. Allele origin: germline. Not counted in ClinVar's aggregate classification.
Comment: This variant is classified as likely benign based on ACMG/AMP sequence variant interpretation guidelines (Richards et al. 2015 PMID: 25741868, with internal and published modifications).

Clinical Genetics, Academic Medical Center
Classification: Benign. Review status: no assertion criteria provided. Collection method: clinical testing. Allele origin: germline. Affected: yes. Study: VKGL Data-share Consensus. Not counted in ClinVar's aggregate classification.

Joint Genome Diagnostic Labs from Nijmegen and Maastricht, Radboudumc and MUMC+
Classification: Likely benign. Review status: no assertion criteria provided. Collection method: clinical testing. Allele origin: germline. Affected: yes. Study: VKGL Data-share Consensus. Not counted in ClinVar's aggregate classification.